The following is an entry in ClinVar:

NM_014140.4(SMARCAL1):c.1027_1034del (p.Phe343fs)

Gene: SMARCAL1 (SNF2 related chromatin remodeling annealing helicase 1; plus strand). Cytogenetic location: 2q35.
Variant type: Deletion.
Coding change: c.1027_1034del on transcript NM_014140.4 (MANE Select); coding-DNA positions 1027 to 1034, 8 bases deleted (TTCGAGGC; older notation c.1027_1034delTTCGAGGC).
Protein change: p.Phe343fs; shifts the reading frame from phenylalanine 343.
Molecular consequence: frameshift variant.
Genome position (GRCh38, 1-based): chr2:216,420,463-216,420,470, TTCGAGGC deleted; deleting any 8 consecutive bases within chr2:216,420,462-216,420,470 gives the same sequence; the c. name uses the placement nearest the transcript's 3' end. VCF-style (leftmost placement, unchanged base first): chr2-216420461-ACTTCGAGG-A. GRCh37 (hg19) VCF-style: chr2-217285184-ACTTCGAGG-A.
Other names: c.1027_1034delTTCGAGGC (NM_014140.4); c.1027_1034del, p.Phe343fs (NM_001127207.2); short protein forms F343fs.
Identifiers: ClinVar variation 1064696 (VCV001064696.3), dbSNP rs2106020733, ClinGen allele CA2499215640.

ClinVar aggregate classification (germline): Pathogenic (0 of 4 stars; one submission).

Conditions:
Schimke immuno-osseous dysplasia (SIOD). Also called: Schimke Immunoosseous Dysplasia. Identifiers: Orphanet 1830, MedGen C0877024, MONDO:0009458, OMIM 242900.

Submission:

Istanbul Faculty of Medicine, Istanbul University
Classification: Pathogenic for Schimke immuno-osseous dysplasia. Last evaluated: 2020-12-25. Review status: no assertion criteria provided. Collection method: clinical testing. Allele origin: germline. Affected: yes. Observed: 1 variant allele.